The following is an entry in ClinVar:

ClinVar aggregate classification (germline): Uncertain significance (1 of 4 stars; one submission).

Submission:

Labcorp Genetics (formerly Invitae), Labcorp
Classification: Uncertain significance. Last evaluated: 2024-05-02. Review status: criteria provided, single submitter. Criteria: Invitae Variant Classification Sherloc (09022015). Collection method: clinical testing. Allele origin: germline.
Comment: This sequence change affects codon 468 of the MBTPS2 mRNA. It is a 'silent' change, meaning that it does not change the encoded amino acid sequence of the MBTPS2 protein. This variant is not present in population databases (gnomAD no frequency). This variant has not been reported in the literature in individuals affected with MBTPS2-related conditions. Algorithms developed to predict the effect of sequence changes on RNA splicing suggest that this variant may disrupt the consensus splice site. In summary, the available evidence is currently insufficient to determine the role of this variant in disease. Therefore, it has been classified as a Variant of Uncertain Significance.

NM_015884.4(MBTPS2):c.1404A>G (p.Gly468=)

Gene: MBTPS2 (membrane bound transcription factor peptidase, site 2; plus strand). Cytogenetic location: Xp22.12.
Variant type: single nucleotide variant.
Coding change: c.1404A>G on transcript NM_015884.4 (MANE Select); coding-DNA position 1404, A replaced by G.
Protein change: p.Gly468=; no amino-acid change (glycine 468 retained).
Molecular consequence: synonymous variant.
Genome position (GRCh38, 1-based): chrX:21,882,499, A>G. VCF-style: chrX-21882499-A-G. GRCh37 (hg19) VCF-style: chrX-21900617-A-G.
Identifiers: ClinVar variation 3652006 (VCV003652006.2).
Genomic context (GRCh38, chrX:21,882,499, plus strand): 5'-GATTTCCCTCTCAGGAGCTCTGGCTATTGTTAATGCAGTACCCTGCTTTGCTTTGGATGG[A>G]CAATGGATTCTAAACTCTTTCTTGGATGCCACCCTTACCTCAGTGATTGGAGACAATGAT-3'
Protein context (NP_056968.1, residues 458-478): VNAVPCFALD[Gly468=]QWILNSFLDA